The following is an entry in ClinVar:

NM_001374736.1(DST):c.5145C>T (p.Asp1715=)

Gene: DST (dystonin; minus strand). Cytogenetic location: 6p12.1.
Variant type: single nucleotide variant.
Coding change: c.5145C>T on transcript NM_001374736.1 (MANE Select); coding-DNA position 5145, C replaced by T.
Protein change: p.Asp1715=; no amino-acid change (aspartic acid 1715 retained).
Molecular consequence: synonymous variant.
Genome position (GRCh38, 1-based): chr6:56,611,510, G>A on the plus strand (C>T on the coding strand, the complement: DST is on the minus strand). VCF-style: chr6-56611510-G-A. GRCh37 (hg19) VCF-style: chr6-56476308-G-A.
Other names: c.5046C>T, p.Asp1682= (NM_001144769.5); c.4632C>T, p.Asp1544= (NM_001144770.2); c.5145C>T, p.Asp1715= (NM_001374722.1); c.4512C>T, p.Asp1504= (NM_001374729.1, NM_001374730.1, NM_183380.4); c.5172C>T, p.Asp1724= (NM_001374734.1); c.3534C>T, p.Asp1178= (NM_015548.5).
Identifiers: ClinVar variation 970983 (VCV000970983.27), dbSNP rs374134272, ClinGen allele CA3869797.

ClinVar aggregate classification (germline): Conflicting classifications of pathogenicity. Review status: criteria provided, conflicting classifications (1 of 4 stars). 2 submissions from 2 submitters: Uncertain significance (1); Likely benign (1). Last evaluated 2026-04-01.

Conditions:
Hereditary sensory and autonomic neuropathy type 6. Also called: Neuropathy, hereditary sensory and autonomic, type VI; HSAN VI. Identifiers: Orphanet 314381, MedGen C3539003, MONDO:0013839, OMIM 614653.
Epidermolysis bullosa simplex 3, localized or generalized intermediate, with BP230 deficiency (EBS3). Also called: Epidermolysis bullosa simplex, autosomal recessive 2; Epidermolysis bullosa simplex due to BP230 deficiency. Identifiers: Orphanet 412181, MedGen C3809470, MONDO:0014180, OMIM 615425.

Allele frequency attached by ClinVar (database versions not stated): TOPMed 0.00006; ESP Exome Variant Server 0.00008; gnomAD 0.00003; gnomAD exomes 0.00005; ExAC 0.00006.
gnomAD v4.1: 94 of 1,605,822 alleles (0.0059%); highest among the groups gnomAD compares: Middle Eastern, 0.017%; no homozygotes.

Submissions (2):

CeGaT Center for Human Genetics Tuebingen
Classification: Likely benign. Last evaluated: 2026-04-01. Review status: criteria provided, single submitter. Criteria: CeGaT Center For Human Genetics Tuebingen Variant Classification Criteria Version 2. Collection method: clinical testing. Allele origin: germline. Affected: yes. Observed: 2 variant alleles.
Comment: DST: BP4, BP7

Labcorp Genetics (formerly Invitae), Labcorp
Classification: Uncertain significance for Epidermolysis bullosa simplex 3, localized or generalized intermediate, with BP230 deficiency; Hereditary sensory and autonomic neuropathy type 6. Last evaluated: 2022-02-04. Review status: criteria provided, single submitter. Criteria: Invitae Variant Classification Sherloc (09022015). Collection method: clinical testing. Allele origin: germline.
Comment: The DST gene has multiple clinically relevant transcripts. This variant occurs in alternate transcript NM_015548.4, and corresponds to NM_001723.5:c.*4007C>T in the primary transcript. This sequence change affects codon 1178 of the DST mRNA. It is a 'silent' change, meaning that it does not change the encoded amino acid sequence of the DST protein. This variant is present in population databases (rs374134272, gnomAD 0.02%). This variant has not been reported in the literature in individuals affected with DST-related conditions. ClinVar contains an entry for this variant (Variation ID: 970983). Algorithms developed to predict the effect of sequence changes on RNA splicing suggest that this variant may disrupt the consensus splice site. In summary, the available evidence is currently insufficient to determine the role of this variant in disease. Therefore, it has been classified as a Variant of Uncertain Significance.